The following is an entry in ClinVar:

NM_000536.4(RAG2):c.123C>G (p.Cys41Trp)

Gene: RAG2 (recombination activating 2; minus strand). Cytogenetic location: 11p12.
Variant type: single nucleotide variant.
Coding change: c.123C>G on transcript NM_000536.4 (MANE Select); coding-DNA position 123, C replaced by G.
Protein change: p.Cys41Trp; replaces cysteine 41 with tryptophan.
Molecular consequence: missense variant.
Genome position (GRCh38, 1-based): chr11:36,594,046, G>C on the plus strand (C>G on the coding strand, the complement: RAG2 is on the minus strand). VCF-style: chr11-36594046-G-C. GRCh37 (hg19) VCF-style: chr11-36615596-G-C.
Other names: c.123C>G, p.Cys41Trp (NM_001243785.2, NM_001243786.2); short protein forms C41W.
Identifiers: ClinVar variation 13131 (VCV000013131.10), dbSNP rs121917895, ClinGen allele CA122857.

ClinVar aggregate classification (germline): Pathogenic/Likely pathogenic. Review status: criteria provided, multiple submitters, no conflicts (2 of 4 stars). 3 submissions from 3 submitters: Pathogenic (1); Likely pathogenic (1). 1 of the submissions does not count toward it. Last evaluated 2025-11-16.

Conditions:
Severe combined immunodeficiency, autosomal recessive, T cell-negative, B cell-negative, NK cell-positive. Also called: SCID, AR, T-cell negative, B-cell negative, NK cell-positive; Severe combined immunodeficiency due to complete RAG1/2 deficiency; SCID, T CELL-NEGATIVE, B CELL-NEGATIVE, NK CELL-POSITIVE. Identifiers: Orphanet 331206, MedGen C1832322, MONDO:0011086, OMIM 601457.
Recombinase activating gene 2 deficiency. Also called: RAG2 deficiency. Identifiers: MedGen CN257931, MONDO:0000573.
Inborn error of immunity. Also called: Primary immunodeficiency; Inborn errors of immunity. Identifiers: Orphanet 101997, MedGen C0398686, MONDO:0003778.
Histiocytic medullary reticulosis. Also called: SEVERE COMBINED IMMUNODEFICIENCY WITH HYPEREOSINOPHILIA; Omenn syndrome. Identifiers: Orphanet 39041, MedGen C2700553, MONDO:0011338, OMIM 603554.
Combined immunodeficiency with skin granulomas. Identifiers: Orphanet 157949, MedGen C2673536, MONDO:0009306, OMIM 233650.

Submissions (3):

Labcorp Genetics (formerly Invitae), Labcorp
Classification: Pathogenic for Combined immunodeficiency with skin granulomas; Severe combined immunodeficiency, autosomal recessive, T cell-negative, B cell-negative, NK cell-positive. Last evaluated: 2025-11-16. Review status: criteria provided, single submitter. Criteria: Invitae Variant Classification Sherloc (09022015). Collection method: clinical testing. Allele origin: germline.
Comment: This sequence change replaces cysteine, which is neutral and slightly polar, with tryptophan, which is neutral and slightly polar, at codon 41 of the RAG2 protein (p.Cys41Trp). This variant is not present in population databases (gnomAD no frequency). This missense change has been observed in individual(s) with severe combined immunodeficiency (PMID: 9630231, 28769923, 29772310). ClinVar contains an entry for this variant (Variation ID: 13131). Invitae Evidence Modeling of protein sequence and biophysical properties (such as structural, functional, and spatial information, amino acid conservation, physicochemical variation, residue mobility, and thermodynamic stability) indicates that this missense variant is expected to disrupt RAG2 protein function with a positive predictive value of 95%. Experimental studies have shown that this missense change affects RAG2 function (PMID: 9630231, 29772310). For these reasons, this variant has been classified as Pathogenic.

Pediatric Immunology Service, The Chaim Sheba Medical Center at Tel HaShomer
Classification: Likely pathogenic for RAG2 deficiency; Primary immunodeficiency; Omenn syndrome; Severe combined immunodeficiency due to complete RAG1/2 deficiency. Last evaluated: 2018-03-06. Review status: criteria provided, single submitter. Criteria: ACMG Guidelines, 2015. Collection method: research. Allele origin: germline. Affected: yes.

OMIM
Classification: Pathogenic for OMENN SYNDROME. Last evaluated: 1998-05-29. Review status: no assertion criteria provided. Collection method: literature only. Allele origin: germline. Not counted in ClinVar's aggregate classification.

Literature cited by the submitters: PubMed 9630231 (cited by Labcorp Genetics (formerly Invitae), Labcorp and OMIM); PubMed 28769923 (cited by Labcorp Genetics (formerly Invitae), Labcorp); PubMed 29772310 (cited by Labcorp Genetics (formerly Invitae), Labcorp); PubMed 11133745 (cited by Pediatric Immunology Service, The Chaim Sheba Medical Center at Tel HaShomer).